The following is an entry in ClinVar:

NM_000350.3(ABCA4):c.4331G>A (p.Cys1444Tyr)

Gene: ABCA4 (ATP binding cassette subfamily A member 4; minus strand). Cytogenetic location: 1p22.1.
Variant type: single nucleotide variant.
Coding change: c.4331G>A on transcript NM_000350.3 (MANE Select); coding-DNA position 4331, G replaced by A.
Protein change: p.Cys1444Tyr; replaces cysteine 1444 with tyrosine.
Molecular consequence: missense variant.
Genome position (GRCh38, 1-based): chr1:94,030,449, C>T on the plus strand (G>A on the coding strand, the complement: ABCA4 is on the minus strand). VCF-style: chr1-94030449-C-T. GRCh37 (hg19) VCF-style: chr1-94496005-C-T.
Other names: c.4109G>A, p.Cys1370Tyr (NM_001425324.1); short protein forms C1370Y, C1444Y.
Identifiers: ClinVar variation 4745901 (VCV004745901.1).

ClinVar aggregate classification (germline): Uncertain significance (1 of 4 stars; one submission).

Submission:

Labcorp Genetics (formerly Invitae), Labcorp
Classification: Uncertain significance. Last evaluated: 2025-11-23. Review status: criteria provided, single submitter. Criteria: Invitae Variant Classification Sherloc (09022015). Collection method: clinical testing. Allele origin: germline.
Comment: This sequence change replaces cysteine, which is neutral and slightly polar, with tyrosine, which is neutral and polar, at codon 1444 of the ABCA4 protein (p.Cys1444Tyr). This variant is not present in population databases (gnomAD no frequency). This variant has not been reported in the literature in individuals affected with ABCA4-related conditions. Invitae Evidence Modeling of protein sequence and biophysical properties (such as structural, functional, and spatial information, amino acid conservation, physicochemical variation, residue mobility, and thermodynamic stability) indicates that this missense variant is expected to disrupt ABCA4 protein function with a positive predictive value of 95%. In summary, the available evidence is currently insufficient to determine the role of this variant in disease. Therefore, it has been classified as a Variant of Uncertain Significance.